The following is an entry in ClinVar:

ClinVar aggregate classification (germline): Uncertain significance. Review status: criteria provided, multiple submitters, no conflicts (2 of 4 stars). 2 submissions from 2 submitters: Uncertain significance (2). Last evaluated 2025-05-03.

Conditions:
Inborn genetic diseases. Identifiers: MedGen C0950123, MeSH D030342.
Baller-Gerold syndrome (BGS). Also called: CRANIOSYNOSTOSIS WITH RADIAL DEFECTS. Identifiers: Orphanet 1225, MedGen C0265308, MONDO:0009039, OMIM 218600.

Submissions (2):

Ambry Genetics
Classification: Uncertain significance for Inborn genetic diseases. Last evaluated: 2025-05-03. Review status: criteria provided, single submitter. Criteria: Ambry Variant Classification Scheme 2023. Collection method: clinical testing. Allele origin: germline.
Comment: The p.A72S variant (also known as c.214G>T) is located in coding exon 4 of the RECQL4 gene. The alanine at codon 72 is replaced by serine, an amino acid with similar properties. This change occurs in the first base pair of coding exon 4. This amino acid position is conserved. In addition, this alteration is predicted to be tolerated by in silico analysis. Based on the available evidence, the clinical significance of this variant remains unclear.

Labcorp Genetics (formerly Invitae), Labcorp
Classification: Uncertain significance for Baller-Gerold syndrome. Last evaluated: 2022-07-12. Review status: criteria provided, single submitter. Criteria: Invitae Variant Classification Sherloc (09022015). Collection method: clinical testing. Allele origin: germline.
Comment: In summary, the available evidence is currently insufficient to determine the role of this variant in disease. Therefore, it has been classified as a Variant of Uncertain Significance. Experimental studies and prediction algorithms are not available or were not evaluated, and the functional significance of this variant is currently unknown. ClinVar contains an entry for this variant (Variation ID: 1446816). This sequence change replaces alanine, which is neutral and non-polar, with serine, which is neutral and polar, at codon 72 of the RECQL4 protein (p.Ala72Ser). This variant is not present in population databases (gnomAD no frequency). This variant has not been reported in the literature in individuals affected with RECQL4-related conditions.

NM_004260.4(RECQL4):c.214G>T (p.Ala72Ser)

Gene: RECQL4 (RecQ like helicase 4; minus strand). Cytogenetic location: 8q24.3.
Variant type: single nucleotide variant.
Coding change: c.214G>T on transcript NM_004260.4 (MANE Select); coding-DNA position 214, G replaced by T.
Protein change: p.Ala72Ser; replaces alanine 72 with serine.
Molecular consequence: missense variant.
Genome position (GRCh38, 1-based): chr8:144,517,190, C>A on the plus strand (G>T on the coding strand, the complement: RECQL4 is on the minus strand). VCF-style: chr8-144517190-C-A. GRCh37 (hg19) VCF-style: chr8-145742574-C-A.
Other names: c.214G>T (NM_004260.3); short protein forms A72S.
Identifiers: ClinVar variation 1446816 (VCV001446816.7), dbSNP rs1815258229, ClinGen allele CA372692399.